The following is an entry in ClinVar:

NM_005996.4(TBX3):c.1147C>T (p.Pro383Ser)

Gene: TBX3 (T-box transcription factor 3; minus strand). Cytogenetic location: 12q24.21.
Variant type: single nucleotide variant.
Coding change: c.1147C>T on transcript NM_005996.4 (MANE Select); coding-DNA position 1147, C replaced by T.
Protein change: p.Pro383Ser; replaces proline 383 with serine.
Molecular consequence: missense variant.
Genome position (GRCh38, 1-based): chr12:114,674,728, G>A on the plus strand (C>T on the coding strand, the complement: TBX3 is on the minus strand). VCF-style: chr12-114674728-G-A. GRCh37 (hg19) VCF-style: chr12-115112533-G-A.
Other names: c.1207C>T, p.Pro403Ser (NM_016569.4); short protein forms P383S, P403S.
Identifiers: ClinVar variation 2145256 (VCV002145256.4), dbSNP rs1438265315, ClinGen allele CA386869514.
Genomic context (GRCh38, chr12:114,674,728, plus strand): 5'-GGGGCCGCTCAGCAGCGAAAAGGTGAGCCTTGACCGCGGGGCTGCCCTTGTCACGGCAGG[G>A]CTCCTCCGACGTGGTGGTGGAGATCTTGGCCGCGTCGCAGGCCTCGGGGCCATGCTCCTC-3'
Protein context (NP_005987.3, residues 373-393): AKISTTTSEE[Pro383Ser]CRDKGSPAVK

ClinVar aggregate classification (germline): Uncertain significance (1 of 4 stars; one submission).

Conditions:
Ulnar-mammary syndrome (UMS). Also called: Ulnar-mammary syndrome of Pallister; PALLISTER ULNAR-MAMMARY SYNDROME; SCHINZEL SYNDROME. Identifiers: Orphanet 3138, MedGen C1866994, MONDO:0008411, OMIM 181450.

Allele frequency attached by ClinVar (database versions not stated): gnomAD exomes below 0.00001.
gnomAD v4.1: 1 of 1,599,034 alleles (0.000063%); highest among the groups gnomAD compares: Non-Finnish European, 0.000085%; no homozygotes.

Submission:

Labcorp Genetics (formerly Invitae), Labcorp
Classification: Uncertain significance for Ulnar-mammary syndrome. Last evaluated: 2022-04-24. Review status: criteria provided, single submitter. Criteria: Invitae Variant Classification Sherloc (09022015). Collection method: clinical testing. Allele origin: germline.
Comment: This sequence change replaces proline, which is neutral and non-polar, with serine, which is neutral and polar, at codon 383 of the TBX3 protein (p.Pro383Ser). The frequency data for this variant in the population databases is considered unreliable, as metrics indicate poor data quality at this position in the gnomAD database. This variant has not been reported in the literature in individuals affected with TBX3-related conditions. Algorithms developed to predict the effect of missense changes on protein structure and function (SIFT, PolyPhen-2, Align-GVGD) all suggest that this variant is likely to be tolerated. In summary, the available evidence is currently insufficient to determine the role of this variant in disease. Therefore, it has been classified as a Variant of Uncertain Significance.